The following is an entry in ClinVar:

ClinVar aggregate classification (germline): Uncertain significance. Review status: criteria provided, multiple submitters, no conflicts (2 of 4 stars). 3 submissions from 3 submitters: Uncertain significance (3). Last evaluated 2024-11-25.

Conditions:
B-cell immunodeficiency, distal limb anomalies, and urogenital malformations. Also called: HOFFMAN SYNDROME; BILU SYNDROME. Identifiers: Orphanet 567502, MedGen C1836437, MONDO:0012243, OMIM 609296.

Allele frequency attached by ClinVar (database versions not stated): ExAC 0.00002; gnomAD exomes 0.00002; TOPMed 0.00003; gnomAD 0.00004.
gnomAD v4.1: 32 of 1,595,336 alleles (0.002%); highest among the groups gnomAD compares: Middle Eastern, 0.059%; no homozygotes.

Submissions (3):

Labcorp Genetics (formerly Invitae), Labcorp
Classification: Uncertain significance. Last evaluated: 2024-11-25. Review status: criteria provided, single submitter. Criteria: Invitae Variant Classification Sherloc (09022015). Collection method: clinical testing. Allele origin: germline.
Comment: This sequence change replaces isoleucine, which is neutral and non-polar, with threonine, which is neutral and polar, at codon 618 of the TOP2B protein (p.Ile618Thr). This variant is present in population databases (rs776496462, gnomAD 0.007%). This variant has not been reported in the literature in individuals affected with TOP2B-related conditions. ClinVar contains an entry for this variant (Variation ID: 1348436). An algorithm developed to predict the effect of missense changes on protein structure and function (PolyPhen-2) suggests that this variant is likely to be tolerated. In summary, the available evidence is currently insufficient to determine the role of this variant in disease. Therefore, it has been classified as a Variant of Uncertain Significance.

Breakthrough Genomics
Classification: Uncertain significance. Review status: criteria provided, single submitter. Criteria: ACMG Guidelines, 2015. Collection method: not provided. Allele origin: germline. Inheritance: Autosomal dominant inheritance. Affected: yes.

Neuberg Centre For Genomic Medicine, NCGM
Classification: Uncertain significance for B-cell immunodeficiency, distal limb anomalies, and urogenital malformations. Review status: criteria provided, single submitter. Criteria: ACMG Guidelines, 2015. Collection method: clinical testing. Allele origin: germline. Inheritance: Autosomal dominant inheritance. Affected: yes.
Comment: The observed missense c.1868T>C (p.Ile623Thr) variant in TOP2B gene has not been reported previously as a pathogenic variant nor as a benign variant, to our knowledge. The p.Ile623Thr variant is present with allele frequency of 0.002% in gnomAD Exomes. This variant has been submitted to the ClinVar database as Uncertain Significance. Computational evidence (Polyphen - Benign, SIFT - Tolerated and MutationTaster - Disease causing) predicts conflicting evidence on protein structure and function for this variant. The reference amino acid of p.Ile623Thr in TOP2B is predicted as conserved by GERP++ and PhyloP across 100 vertebrates. The amino acid Ile at position 623 is changed to a Thr changing protein sequence and it might alter its composition and physico-chemical properties. For these reasons, this variant has been classified as a Variant of Uncertain Significance (VUS).

NM_001330700.2(TOP2B):c.1868T>C (p.Ile623Thr)

Gene: TOP2B (DNA topoisomerase II beta; minus strand). Cytogenetic location: 3p24.2.
Variant type: single nucleotide variant.
Coding change: c.1868T>C on transcript NM_001330700.2 (MANE Select); coding-DNA position 1868, T replaced by C.
Protein change: p.Ile623Thr; replaces isoleucine 623 with threonine.
Molecular consequence: missense variant.
Genome position (GRCh38, 1-based): chr3:25,628,885, A>G on the plus strand (T>C on the coding strand, the complement: TOP2B is on the minus strand). VCF-style: chr3-25628885-A-G. GRCh37 (hg19) VCF-style: chr3-25670376-A-G.
Other names: c.1853T>C, p.Ile618Thr (NM_001068.3); short protein forms I623T, I618T.
Identifiers: ClinVar variation 1348436 (VCV001348436.10), dbSNP rs776496462, ClinGen allele CA2288610.